The following is an entry in ClinVar:

NM_000051.4(ATM):c.1388C>G (p.Ala463Gly)

Gene: ATM (ATM serine/threonine kinase; plus strand). Cytogenetic location: 11q22.3.
Variant type: single nucleotide variant.
Coding change: c.1388C>G on transcript NM_000051.4 (MANE Select); coding-DNA position 1388, C replaced by G.
Protein change: p.Ala463Gly; replaces alanine 463 with glycine.
Molecular consequence: missense variant.
Genome position (GRCh38, 1-based): chr11:108,250,853, C>G. VCF-style: chr11-108250853-C-G. GRCh37 (hg19) VCF-style: chr11-108121580-C-G.
Other names: c.1388C>G, p.Ala463Gly (NM_001351834.2); short protein forms A463G.
Identifiers: ClinVar variation 2719625 (VCV002719625.4), dbSNP rs1468739528, ClinGen allele CA382533889.
Genomic context (GRCh38, chr11:108,250,853, plus strand): 5'-TACCCCAACAGCGACATGGGGAACGTACACCATATGTGTTACGATGCCTTACGGAAGTTG[C>G]ATTGTGTCAAGACAAGAGGTCAAACCTAGAAAGCTCACAAAAGTCAGATTTATTAAAACT-3'
Protein context (NP_000042.3, residues 453-473): PYVLRCLTEV[Ala463Gly]LCQDKRSNLE

ClinVar aggregate classification (germline): Uncertain significance. Review status: criteria provided, multiple submitters, no conflicts (2 of 4 stars). 2 submissions from 2 submitters: Uncertain significance (2). Last evaluated 2026-07-16.

Conditions:
Ataxia-telangiectasia syndrome (AT). Also called: Cerebello-oculocutaneous telangiectasia; Immunodeficiency with ataxia telangiectasia; Ataxia-telangiectasia, complementation group E; LOUIS-BAR SYNDROME; Ataxia telangiectasia (A-T); Ataxia-telangiectasia, complementation group D. Identifiers: Orphanet 100, MedGen C0004135, MONDO:0008840, OMIM 208900.
Hereditary cancer-predisposing syndrome. Also called: Hereditary Cancer Syndrome; Hereditary neoplastic syndrome; Neoplastic Syndromes, Hereditary; Tumor predisposition. Identifiers: Orphanet 140162, MedGen C0027672, MeSH D009386, MONDO:0015356.

Allele frequency attached by ClinVar (database versions not stated): gnomAD exomes below 0.00001.
gnomAD v4.1: 5 of 1,614,104 alleles (0.00031%); highest among the groups gnomAD compares: Non-Finnish European, 0.00042%; no homozygotes.

Submissions (2):

Ambry Genetics
Classification: Uncertain significance for Hereditary cancer-predisposing syndrome. Last evaluated: 2026-07-16. Review status: criteria provided, single submitter. Criteria: Ambry Variant Classification Scheme 2023. Collection method: clinical testing. Allele origin: germline.
Comment: The p.A463G variant (also known as c.1388C>G), located in coding exon 9 of the ATM gene, results from a C to G substitution at nucleotide position 1388. The alanine at codon 463 is replaced by glycine, an amino acid with similar properties. In an assay testing ATM function, this variant showed a functionally normal result (Lee KS et al. Cell, 2025 Sep;188:5081-5099.e27). This amino acid position is highly conserved in available vertebrate species. In addition, the in silico prediction for this alteration is inconclusive. Based on the available evidence, the clinical significance of this variant remains unclear.

Labcorp Genetics (formerly Invitae), Labcorp
Classification: Uncertain significance for Ataxia-telangiectasia syndrome. Last evaluated: 2023-06-20. Review status: criteria provided, single submitter. Criteria: Invitae Variant Classification Sherloc (09022015). Collection method: clinical testing. Allele origin: germline.
Comment: In summary, the available evidence is currently insufficient to determine the role of this variant in disease. Therefore, it has been classified as a Variant of Uncertain Significance. An algorithm developed to predict the effect of missense changes on protein structure and function (PolyPhen-2) suggests that this variant is likely to be disruptive. This variant has not been reported in the literature in individuals affected with ATM-related conditions. This variant is present in population databases (no rsID available, gnomAD 0.0009%). This sequence change replaces alanine, which is neutral and non-polar, with glycine, which is neutral and non-polar, at codon 463 of the ATM protein (p.Ala463Gly).

Literature cited by the submitters: PubMed 40580951 (cited by Ambry Genetics).